The following is an entry in ClinVar:

NM_005263.5(GFI1):c.667C>T (p.Pro223Ser)

Gene: GFI1 (growth factor independent 1 transcriptional repressor; minus strand). Cytogenetic location: 1p22.1.
Variant type: single nucleotide variant.
Coding change: c.667C>T on transcript NM_005263.5 (MANE Select); coding-DNA position 667, C replaced by T.
Protein change: p.Pro223Ser; replaces proline 223 with serine.
Molecular consequence: missense variant.
Genome position (GRCh38, 1-based): chr1:92,480,720, G>A on the plus strand (C>T on the coding strand, the complement: GFI1 is on the minus strand). VCF-style: chr1-92480720-G-A. GRCh37 (hg19) VCF-style: chr1-92946277-G-A.
Other names: c.667C>T, p.Pro223Ser (NM_001127215.3, NM_001127216.3); short protein forms P223S.
Identifiers: ClinVar variation 4263177 (VCV004263177.1).

ClinVar aggregate classification (germline): Uncertain significance (1 of 4 stars; one submission).

Submission:

Ambry Genetics
Classification: Uncertain significance. Last evaluated: 2025-06-17. Review status: criteria provided, single submitter. Criteria: Ambry Variant Classification Scheme 2023. Collection method: clinical testing. Allele origin: germline.
Comment: The p.P223S variant (also known as c.667C>T), located in coding exon 3 of the GFI1 gene, results from a C to T substitution at nucleotide position 667. The proline at codon 223 is replaced by serine, an amino acid with similar properties. This amino acid position is conserved. In addition, this alteration is predicted to be tolerated by in silico analysis. Based on the available evidence, the clinical significance of this variant remains unclear.